The following is an entry in ClinVar:

ClinVar aggregate classification (germline): Uncertain significance (1 of 4 stars; one submission).

Conditions:
Inborn genetic diseases. Identifiers: MedGen C0950123, MeSH D030342.

Submission:

Ambry Genetics
Classification: Uncertain significance for Inborn genetic diseases. Last evaluated: 2026-06-10. Review status: criteria provided, single submitter. Criteria: Ambry Variant Classification Scheme 2023. Collection method: clinical testing. Allele origin: germline.
Comment: The p.Q725R variant (also known as c.2174A>G), located in coding exon 8 of the MECOM gene, results from an A to G substitution at nucleotide position 2174. The glutamine at codon 725 is replaced by arginine, an amino acid with highly similar properties. This amino acid position is conserved. In addition, this alteration is predicted to be tolerated by in silico analysis. Based on the available evidence, the clinical significance of this variant remains unclear.

NM_004991.4(MECOM):c.2174A>G (p.Gln725Arg)

Gene: MECOM (MDS1 and EVI1 complex locus; minus strand). Cytogenetic location: 3q26.2.
Variant type: single nucleotide variant.
Coding change: c.2174A>G on transcript NM_004991.4 (MANE Select); coding-DNA position 2174, A replaced by G.
Protein change: p.Gln725Arg; replaces glutamine 725 with arginine.
Molecular consequence: missense variant.
Genome position (GRCh38, 1-based): chr3:169,115,698, T>C on the plus strand (A>G on the coding strand, the complement: MECOM is on the minus strand). VCF-style: chr3-169115698-T-C. GRCh37 (hg19) VCF-style: chr3-168833486-T-C.
Other names: c.1805A>G, p.Gln602Arg (NM_001105077.4); c.1610A>G, p.Gln537Arg (NM_001105078.4, NM_001164000.2, NM_001205194.2 and 4 more transcripts); c.1613A>G, p.Gln538Arg (NM_001163999.2, NM_001366467.2, NM_001366468.2 and 1 more transcripts); c.2174A>G, p.Gln725Arg (NM_001366466.2); c.1202A>G, p.Gln401Arg (NM_001366473.2); c.638A>G, p.Gln213Arg (NM_001366474.2); short protein forms Q213R, Q401R, Q537R, Q538R, Q602R, Q725R.
Identifiers: ClinVar variation 4859820 (VCV004859820.1).